The following is an entry in ClinVar:

NM_000218.3(KCNQ1):c.678C>G (p.Ala226=)

Gene: KCNQ1 (potassium voltage-gated channel subfamily Q member 1; plus strand). Cytogenetic location: 11p15.5.
Variant type: single nucleotide variant.
Coding change: c.678C>G on transcript NM_000218.3 (MANE Select); coding-DNA position 678, C replaced by G.
Protein change: p.Ala226=; no amino-acid change (alanine 226 retained).
Molecular consequence: synonymous variant. On other transcripts: intron variant (1).
Genome position (GRCh38, 1-based): chr11:2,571,398, C>G. VCF-style: chr11-2571398-C-G. GRCh37 (hg19) VCF-style: chr11-2592628-C-G.
Other names: c.678C>G, p.Ala226= (NM_001406836.1); c.408C>G, p.Ala136= (NM_001406837.1); c.297C>G, p.Ala99= (NM_181798.2); c.478-12037C>G (NM_001406838.1).
Identifiers: ClinVar variation 923951 (VCV000923951.36), dbSNP rs771489129, ClinGen allele CA039506.

ClinVar aggregate classification (germline): Benign/Likely benign. Review status: criteria provided, multiple submitters, no conflicts (2 of 4 stars). 6 submissions from 6 submitters: Benign (1); Likely benign (5). Last evaluated 2025-03-30.

Conditions:
Cardiac arrhythmia. Also called: Cardiac rhythm disease; Arrhythmia. Identifiers: MedGen C0003811, MONDO:0007263, HP:0011675.
Long QT syndrome (LQTS). Identifiers: MedGen C0023976, MeSH D008133, MONDO:0002442. Disease mechanism: loss of function. Inheritance: Various modes of inheritance.
Cardiovascular phenotype. Identifiers: MedGen CN230736.

Allele frequency attached by ClinVar (database versions not stated): TOPMed 0.00002; gnomAD 0.00002.
gnomAD v4.1: 15 of 1,610,882 alleles (0.00093%); highest among the groups gnomAD compares: Non-Finnish European, 0.000085%; no homozygotes.

Submissions (6):

Labcorp Genetics (formerly Invitae), Labcorp
Classification: Likely benign for Long QT syndrome. Last evaluated: 2025-03-30. Review status: criteria provided, single submitter. Criteria: Invitae Variant Classification Sherloc (09022015). Collection method: clinical testing. Allele origin: germline.

Ambry Genetics
Classification: Likely benign for Cardiovascular phenotype. Last evaluated: 2024-07-31. Review status: criteria provided, single submitter. Criteria: Ambry Variant Classification Scheme 2023. Collection method: clinical testing. Allele origin: germline.

CeGaT Center for Human Genetics Tuebingen
Classification: Likely benign. Last evaluated: 2024-04-01. Review status: criteria provided, single submitter. Criteria: CeGaT Center For Human Genetics Tuebingen Variant Classification Criteria Version 2. Collection method: clinical testing. Allele origin: germline. Affected: yes. Observed: 1 variant allele.
Comment: KCNQ1: BP4, BP7

All of Us Research Program, National Institutes of Health
Classification: Likely benign for Long QT syndrome. Last evaluated: 2024-02-05. Review status: criteria provided, single submitter. Criteria: ACMG Guidelines, 2015. Collection method: clinical testing. Allele origin: germline. Inheritance: Autosomal dominant inheritance. Observed: 3 variant alleles, 3 heterozygotes.
Comment: This study involves interpretation of variants in research participants for the purpose of population health screening. Participant phenotype was not available at the time of variant classification. Additional details can be found in publication PMID: 35346344, PMCID: PMC8962531

Color Diagnostics, LLC DBA Color Health
Classification: Likely benign for Arrhythmia. Last evaluated: 2019-09-04. Review status: criteria provided, single submitter. Criteria: ACMG Guidelines, 2015. Collection method: clinical testing. Allele origin: germline.

GeneDx
Classification: Benign. Last evaluated: 2015-03-03. Review status: criteria provided, single submitter. Criteria: GeneDx Variant Classification Process June 2021. Collection method: clinical testing. Allele origin: germline. Affected: yes.